The following is an entry in ClinVar:

ClinVar aggregate classification (germline): Uncertain significance (1 of 4 stars; one submission).

Conditions:
Neurofibromatosis, type 1 (NF1). Also called: NEUROFIBROMATOSIS, TYPE I, SOMATIC; Neurofibromatosis, type I; Peripheral type neurofibromatosis; VON RECKLINGHAUSEN DISEASE. Identifiers: Orphanet 636, MedGen C0027831, MONDO:0018975, OMIM 162200. Disease mechanism: loss of function.

Submission:

Labcorp Genetics (formerly Invitae), Labcorp
Classification: Uncertain significance for Neurofibromatosis, type 1. Last evaluated: 2022-08-26. Review status: criteria provided, single submitter. Criteria: Invitae Variant Classification Sherloc (09022015). Collection method: clinical testing. Allele origin: germline.
Comment: In summary, the available evidence is currently insufficient to determine the role of this variant in disease. Therefore, it has been classified as a Variant of Uncertain Significance. This variant has not been reported in the literature in individuals affected with NF1-related conditions. This variant is not present in population databases (gnomAD no frequency). This variant, c.3383_3384insAACTTTTTG, results in the insertion of 3 amino acid(s) of the NF1 protein (p.Gly1128_Gly1129insThrPheCys), but otherwise preserves the integrity of the reading frame.

NM_001042492.3(NF1):c.3383_3384insAACTTTTTG (p.Gly1128_Gly1129insThrPheCys)

Gene: NF1 (neurofibromin 1; plus strand). Cytogenetic location: 17q11.2.
Variant type: Insertion.
Coding change: c.3383_3384insAACTTTTTG on transcript NM_001042492.3 (MANE Select); coding-DNA positions 3383 to 3384, AACTTTTTG inserted.
Protein change: p.Gly1128_Gly1129insThrPheCys.
Molecular consequence: inframe insertion. On other transcripts: inframe indel (1).
Genome position: GRCh38 VCF-style: chr17-31232767-G-GGAACTTTTT. GRCh37 (hg19) VCF-style: chr17-29559785-G-GGAACTTTTT.
Other names: c.3383_3384insAACTTTTTG, p.Gly1128_Gly1129insThrPheCys (NM_000267.4).
Identifiers: ClinVar variation 2027219 (VCV002027219.4), dbSNP rs2488900332, ClinGen allele CA2580093026.